The following is an entry in ClinVar:

NM_000321.3(RB1):c.2545A>T (p.Asn849Tyr)

Gene: RB1 (RB transcriptional corepressor 1; plus strand). Cytogenetic location: 13q14.2.
Variant type: single nucleotide variant.
Coding change: c.2545A>T on transcript NM_000321.3 (MANE Select); coding-DNA position 2545, A replaced by T.
Protein change: p.Asn849Tyr; replaces asparagine 849 with tyrosine.
Molecular consequence: missense variant. On other transcripts: 5 prime UTR variant (1).
Genome position (GRCh38, 1-based): chr13:48,476,725, A>T. VCF-style: chr13-48476725-A-T. GRCh37 (hg19) VCF-style: chr13-49050861-A-T.
Other names: c.2545A>T, p.Asn849Tyr (NM_001407165.1); c.-6A>T (NM_001407168.1); short protein forms N849Y.
Identifiers: ClinVar variation 4824141 (VCV004824141.1).

ClinVar aggregate classification (germline): Uncertain significance (1 of 4 stars; one submission).

Conditions:
Hereditary cancer-predisposing syndrome. Also called: Neoplastic Syndromes, Hereditary; Hereditary neoplastic syndrome; Tumor predisposition; Hereditary Cancer Syndrome. Identifiers: Orphanet 140162, MedGen C0027672, MeSH D009386, MONDO:0015356.

Submission:

Ambry Genetics
Classification: Uncertain significance for Hereditary cancer-predisposing syndrome. Last evaluated: 2026-02-17. Review status: criteria provided, single submitter. Criteria: Ambry Variant Classification Scheme 2023. Collection method: clinical testing. Allele origin: germline.
Comment: The p.N849Y variant (also known as c.2545A>T), located in coding exon 25 of the RB1 gene, results from an A to T substitution at nucleotide position 2545. The asparagine at codon 849 is replaced by tyrosine, an amino acid with dissimilar properties. This amino acid position is highly conserved in available vertebrate species. In addition, this alteration is predicted to be deleterious by in silico analysis. Based on the available evidence, the clinical significance of this variant remains unclear.